The following is an entry in ClinVar:

NM_001165963.4(SCN1A):c.1146C>A (p.Asp382Glu)

Gene: SCN1A (sodium voltage-gated channel alpha subunit 1; minus strand). Cytogenetic location: 2q24.3.
Variant type: single nucleotide variant.
Coding change: c.1146C>A on transcript NM_001165963.4 (MANE Select); coding-DNA position 1146, C replaced by A.
Protein change: p.Asp382Glu; replaces aspartic acid 382 with glutamic acid.
Molecular consequence: missense variant. On other transcripts: 5 prime UTR variant (1), non-coding transcript variant (1).
Genome position (GRCh38, 1-based): chr2:166,047,651, G>T on the plus strand (C>A on the coding strand, the complement: SCN1A is on the minus strand). VCF-style: chr2-166047651-G-T. GRCh37 (hg19) VCF-style: chr2-166904161-G-T.
Other names: c.1146C>A, p.Asp382Glu (NM_001165964.3, NM_001202435.3, NM_001353948.2 and 10 more transcripts); c.-1280C>A (NM_001353961.2); short protein forms D382E.
Identifiers: ClinVar variation 189913 (VCV000189913.8), dbSNP rs794726753, ClinGen allele CA303290.

ClinVar aggregate classification (germline): Pathogenic. Review status: criteria provided, multiple submitters, no conflicts (2 of 4 stars). 2 submissions from 2 submitters: Pathogenic (2). Last evaluated 2023-08-30.

Conditions:
Early-infantile DEE. Also called: Early infantile epileptic encephalopathy; Ohtahara syndrome; Early infantile epileptic encephalopathy with suppression bursts. Identifiers: Orphanet 1934, MedGen C0393706, MONDO:0800491.
Severe myoclonic epilepsy in infancy (DRVT). Also called: Epileptic encephalopathy, early infantile, 6 (Dravet syndrome); SEVERE MYOCLONIC EPILEPSY OF INFANCY; DEVELOPMENTAL AND EPILEPTIC ENCEPHALOPATHY 6A; Severe Myoclonic Epilepsy in Infancy (SMEI); Dravet syndrome. Identifiers: Orphanet 33069, MedGen C0751122, MONDO:0100135, OMIM 607208.

Submissions (2):

Labcorp Genetics (formerly Invitae), Labcorp
Classification: Pathogenic for Early-infantile DEE. Last evaluated: 2023-08-30. Review status: criteria provided, single submitter. Criteria: Invitae Variant Classification Sherloc (09022015). Collection method: clinical testing. Allele origin: germline.
Comment: This variant is not present in population databases (gnomAD no frequency). For these reasons, this variant has been classified as Pathogenic. This variant disrupts the p.Asp382 amino acid residue in SCN1A. Other variant(s) that disrupt this residue have been determined to be pathogenic (PMID: 21248271; Invitae). This suggests that this residue is clinically significant, and that variants that disrupt this residue are likely to be disease-causing. Algorithms developed to predict the effect of sequence changes on RNA splicing suggest that this variant may disrupt the consensus splice site. Advanced modeling of protein sequence and biophysical properties (such as structural, functional, and spatial information, amino acid conservation, physicochemical variation, residue mobility, and thermodynamic stability) performed at Invitae indicates that this missense variant is expected to disrupt SCN1A protein function. ClinVar contains an entry for this variant (Variation ID: 189913). This missense change has been observed in individual(s) with Dravet syndrome (PMID: 26096185). In at least one individual the variant was observed to be de novo. This sequence change replaces aspartic acid, which is acidic and polar, with glutamic acid, which is acidic and polar, at codon 382 of the SCN1A protein (p.Asp382Glu).

Center for Bioinformatics, Peking University
Classification: Pathogenic for Dravet syndrome. Last evaluated: 2014-12-20. Review status: criteria provided, single submitter. Criteria: Xu et al. (Hum Mutat. 2015). Collection method: research. Allele origin: de novo. Affected: yes. Observed: 1 variant allele. Study: University Clinical Cooperation “985 Project” PKU-2014-1-1.
Comment: Dravet syndrome (DS) probands were recruited from the outpatient and inpatient child neurology units of Peking University First Hospital from 2005 till present. The study was approved by the Ethics Committee of Peking University First Hospital and the Institutional Review Board at Peking University. Participants or their parents provided written informed consent before enrollment. We collected a total of 267 mutations from 255 families with probands diagnosed with DS in China. All probands fulfilled the clinical diagnostic criteria.

Literature cited by the submitters: PubMed 21248271 (cited by Labcorp Genetics (formerly Invitae), Labcorp); PubMed 26096185 (cited by Labcorp Genetics (formerly Invitae), Labcorp).